The following is an entry in ClinVar:

NM_001035.3(RYR2):c.13106T>C (p.Leu4369Pro)

Genes: RYR2 (ryanodine receptor 2; plus strand), LOC126806068 (BRD4-independent group 4 enhancer GRCh37_chr1:237947411-237948610; plus strand). Cytogenetic location: 1q43.
Variant type: single nucleotide variant.
Coding change: c.13106T>C on transcript NM_001035.3 (MANE Select); coding-DNA position 13106, T replaced by C.
Protein change: p.Leu4369Pro; replaces leucine 4369 with proline.
Molecular consequence: missense variant.
Genome position (GRCh38, 1-based): chr1:237,784,818, T>C. VCF-style: chr1-237784818-T-C. GRCh37 (hg19) VCF-style: chr1-237948118-T-C.
Other names: c.13106T>C (NM_001035.2); short protein forms L4369P.
Identifiers: ClinVar variation 3073545 (VCV003073545.5), dbSNP rs1416001752, ClinGen allele CA345415307.
Genomic context (GRCh38, chr1:237,784,818, plus strand): 5'-GAGAGAGGAAACCCCTGGAAGCCGCCCTGCCCTCCGAGGATCTGACCGACTTAAAGGAGC[T>C]GACAGAGGAAAGTGACCTTCTTTCGGACATCTTTGGCCTGGATCTGAAGAGAGAAGGAGG-3'
Protein context (NP_001026.2, residues 4359-4379): PSEDLTDLKE[Leu4369Pro]TEESDLLSDI

ClinVar aggregate classification (germline): Uncertain significance. Review status: criteria provided, multiple submitters, no conflicts (2 of 4 stars). 4 submissions from 4 submitters: Uncertain significance (4). Last evaluated 2024-10-29.

Conditions:
Catecholaminergic polymorphic ventricular tachycardia 1. Also called: VENTRICULAR TACHYCARDIA, CATECHOLAMINERGIC POLYMORPHIC, 1, WITH OR WITHOUT ATRIAL DYSFUNCTION AND/OR DILATED CARDIOMYOPATHY; RYR2-Related Catecholaminergic Polymorphic Ventricular Tachycardia; VENTRICULAR TACHYCARDIA, STRESS-INDUCED POLYMORPHIC 1. Identifiers: Orphanet 3286, MedGen C1631597, MONDO:0011484, OMIM 604772.
Catecholaminergic polymorphic ventricular tachycardia (CVPT). Also called: Catecholamine-induced polymorphic ventricular tachycardia. Identifiers: Orphanet 3286, MedGen C5574922, MONDO:0017990.
Cardiovascular phenotype. Identifiers: MedGen CN230736.

Allele frequency attached by ClinVar (database versions not stated): gnomAD exomes below 0.00001.
gnomAD v4.1: 3 of 1,613,580 alleles (0.00019%); highest among the groups gnomAD compares: Admixed American, 0.0017%; no homozygotes.

Submissions (4):

Ambry Genetics
Classification: Uncertain significance for Cardiovascular phenotype. Last evaluated: 2024-10-29. Review status: criteria provided, single submitter. Criteria: Ambry Variant Classification Scheme 2023. Collection method: clinical testing. Allele origin: germline.
Comment: The p.L4369P variant (also known as c.13106T>C), located in coding exon 90 of the RYR2 gene, results from a T to C substitution at nucleotide position 13106. The leucine at codon 4369 is replaced by proline, an amino acid with similar properties. This amino acid position is well conserved in available vertebrate species. In addition, the in silico prediction for this alteration is inconclusive. Based on the available evidence, the clinical significance of this variant remains unclear.

Labcorp Genetics (formerly Invitae), Labcorp
Classification: Uncertain significance for Catecholaminergic polymorphic ventricular tachycardia 1. Last evaluated: 2024-09-30. Review status: criteria provided, single submitter. Criteria: Invitae Variant Classification Sherloc (09022015). Collection method: clinical testing. Allele origin: germline.
Comment: This sequence change replaces leucine, which is neutral and non-polar, with proline, which is neutral and non-polar, at codon 4369 of the RYR2 protein (p.Leu4369Pro). This variant is present in population databases (no rsID available, gnomAD 0.003%). This variant has not been reported in the literature in individuals affected with RYR2-related conditions. Invitae Evidence Modeling of protein sequence and biophysical properties (such as structural, functional, and spatial information, amino acid conservation, physicochemical variation, residue mobility, and thermodynamic stability) indicates that this missense variant is not expected to disrupt RYR2 protein function with a negative predictive value of 95%. In summary, the available evidence is currently insufficient to determine the role of this variant in disease. Therefore, it has been classified as a Variant of Uncertain Significance.

GeneDx
Classification: Uncertain significance. Last evaluated: 2024-08-22. Review status: criteria provided, single submitter. Criteria: GeneDx Variant Classification Process June 2021. Collection method: clinical testing. Allele origin: germline. Affected: yes.
Comment: Has not been previously published as pathogenic or benign to our knowledge; Not observed at significant frequency in large population cohorts (gnomAD); Located in one of the three hot-spot regions of the RYR2 gene, where the majority of pathogenic missense variants occur (PMID: 19926015); In silico analysis indicates that this missense variant does not alter protein structure/function; This variant is associated with the following publications: (PMID: 19926015)

All of Us Research Program, National Institutes of Health
Classification: Uncertain significance for Catecholaminergic polymorphic ventricular tachycardia. Last evaluated: 2023-10-02. Review status: criteria provided, single submitter. Criteria: ACMG Guidelines, 2015. Collection method: clinical testing. Allele origin: germline. Inheritance: Autosomal dominant inheritance. Observed: 1 variant allele, 1 heterozygote.
Comment: This missense variant replaces leucine with proline at codon 4369 of the RYR2 protein. Computational prediction is inconclusive regarding the impact of this variant on protein structure and function (internally defined REVEL score threshold 0.5 < inconclusive < 0.7, PMID: 27666373). To our knowledge, functional studies have not been reported for this variant. This variant has not been reported in individuals affected with RYR2-related disorders in the literature. This variant has been identified in 1/248410 chromosomes in the general population by the Genome Aggregation Database (gnomAD). The available evidence is insufficient to determine the role of this variant in disease conclusively. Therefore, this variant is classified as a Variant of Uncertain Significance.

This study involves interpretation of variants in research participants for the purpose of population health screening. Participant phenotype was not available at the time of variant classification. Additional details can be found in publication PMID: 35346344, PMCID: PMC8962531